The following is an entry in ClinVar:

ClinVar aggregate classification (germline): Uncertain significance (1 of 4 stars; one submission).

Conditions:
Nemaline myopathy 2 (NEM2). Also called: Nemaline myopathy 2, autosomal recessive. Identifiers: MedGen C1850569, MONDO:0009725, OMIM 256030.

Submission:

Labcorp Genetics (formerly Invitae), Labcorp
Classification: Uncertain significance for Nemaline myopathy 2. Last evaluated: 2022-06-27. Review status: criteria provided, single submitter. Criteria: Invitae Variant Classification Sherloc (09022015). Collection method: clinical testing. Allele origin: germline.
Comment: This sequence change replaces glutamine, which is neutral and polar, with histidine, which is basic and polar, at codon 59 of the NEB protein (p.Gln59His). This variant is not present in population databases (gnomAD no frequency). This variant has not been reported in the literature in individuals affected with NEB-related conditions. Algorithms developed to predict the effect of missense changes on protein structure and function are either unavailable or do not agree on the potential impact of this missense change (SIFT: "Deleterious"; PolyPhen-2: "Not Available"; Align-GVGD: "Class C0"). In summary, the available evidence is currently insufficient to determine the role of this variant in disease. Therefore, it has been classified as a Variant of Uncertain Significance.

NM_001164508.2(NEB):c.177G>C (p.Gln59His)

Gene: NEB (nebulin; minus strand). Cytogenetic location: 2q23.3.
Variant type: single nucleotide variant.
Coding change: c.177G>C on transcript NM_001164508.2 (MANE Select); coding-DNA position 177, G replaced by C.
Protein change: p.Gln59His; replaces glutamine 59 with histidine.
Molecular consequence: missense variant.
Genome position (GRCh38, 1-based): chr2:151,727,808, C>G on the plus strand (G>C on the coding strand, the complement: NEB is on the minus strand). VCF-style: chr2-151727808-C-G. GRCh37 (hg19) VCF-style: chr2-152584322-C-G.
Other names: c.177G>C, p.Gln59His (NM_001164507.2, NM_001271208.2, NM_004543.5); short protein forms Q59H.
Identifiers: ClinVar variation 1474981 (VCV001474981.5), dbSNP rs200990309, ClinGen allele CA348795308.